The following is an entry in ClinVar:

ClinVar aggregate classification (germline): Benign/Likely benign. Review status: criteria provided, multiple submitters, no conflicts (2 of 4 stars). 3 submissions from 3 submitters: Benign (1); Likely benign (2). Last evaluated 2026-01-15.

Conditions:
Coxopodopatellar syndrome. Also called: ISCHIOCOXOPODOPATELLAR SYNDROME WITH OR WITHOUT PULMONARY ARTERIAL HYPERTENSION; Congenital coxa vara, patella aplasia and tarsal synostosis; ISCHIOPATELLAR DYSPLASIA; SCOTT-TAOR SYNDROME; ISCHIOCOXOPODOPATELLAR SYNDROME; PATELLA APLASIA, COXA VARA, AND TARSAL SYNOSTOSIS. Identifiers: Orphanet 1509, MedGen C1840061, MONDO:0007841, OMIM 147891.

Allele frequency attached by ClinVar (database versions not stated): gnomAD 0.00003; gnomAD exomes 0.00008 and 0.00021; TOPMed 0.00011; ExAC 0.00018.
gnomAD v4.1: 119 of 1,614,036 alleles (0.0074%); highest among the groups gnomAD compares: Admixed American, 0.085%; no homozygotes.

Submissions (3):

Labcorp Genetics (formerly Invitae), Labcorp
Classification: Likely benign. Last evaluated: 2026-01-15. Review status: criteria provided, single submitter. Criteria: Invitae Variant Classification Sherloc (09022015). Collection method: clinical testing. Allele origin: germline.

Blueprint Genetics
Classification: Likely benign. Last evaluated: 2022-10-13. Review status: criteria provided, single submitter. Criteria: ACMG Guidelines, 2015. Collection method: clinical testing. Allele origin: germline.

Illumina Laboratory Services, Illumina
Classification: Benign for Coxopodopatellar syndrome. Last evaluated: 2018-01-13. Review status: criteria provided, single submitter. Criteria: ICSL Variant Classification Criteria 13 December 2019. Collection method: clinical testing. Allele origin: germline.
Comment: This variant was observed in the ICSL laboratory as part of a predisposition screen in an ostensibly healthy population. It had not been previously curated by ICSL or reported in the Human Gene Mutation Database (HGMD: prior to June 1st, 2018), and was therefore a candidate for classification through an automated scoring system. Utilizing variant allele frequency, disease prevalence and penetrance estimates, and inheritance mode, an automated score was calculated to assess if this variant is too frequent to cause the disease. Based on the score and internal cut-off values, a variant classified as benign is not then subjected to further curation. The score for this variant resulted in a classification of benign for this disease.

NM_001321120.2(TBX4):c.1623G>A (p.Glu541=)

Gene: TBX4 (T-box transcription factor 4; plus strand). Cytogenetic location: 17q23.2.
Variant type: single nucleotide variant.
Coding change: c.1623G>A on transcript NM_001321120.2 (MANE Select); coding-DNA position 1623, G replaced by A.
Protein change: p.Glu541=; no amino-acid change (glutamic acid 541 retained).
Molecular consequence: synonymous variant.
Genome position (GRCh38, 1-based): chr17:61,483,498, G>A. VCF-style: chr17-61483498-G-A. GRCh37 (hg19) VCF-style: chr17-59560859-G-A.
Other names: c.1623G>A, p.Glu541= (LRG_1206t1); c.1620G>A, p.Glu540= (NM_018488.3).
Identifiers: ClinVar variation 324265 (VCV000324265.11), dbSNP rs762062413, ClinGen allele CA8690134.